The following is an entry in ClinVar:

ClinVar aggregate classification (germline): Pathogenic/Likely pathogenic. Review status: criteria provided, multiple submitters, no conflicts (2 of 4 stars). 2 submissions from 2 submitters: Pathogenic (1); Likely pathogenic (1). Last evaluated 2025-09-18.

Conditions:
Pulmonary fibrosis and/or bone marrow failure, Telomere-related, 3. Also called: PULMONARY FIBROSIS AND/OR BONE MARROW FAILURE SYNDROME, TELOMERE-RELATED, 3. Identifiers: Orphanet 2032, MedGen C4225346, MONDO:0014613, OMIM 616373.
Dyskeratosis congenita, autosomal recessive 5 (DKCB5). Identifiers: MedGen C3554656, MONDO:0014076, OMIM 615190.

Submissions (2):

Mayo Clinic Laboratories, Mayo Clinic
Classification: Likely pathogenic. Last evaluated: 2025-09-18. Review status: criteria provided, single submitter. Criteria: ACMG Guidelines, 2015. Collection method: clinical testing. Allele origin: germline. Observed: 1 variant allele.
Comment: PM2_supporting, PVS1

Labcorp Genetics (formerly Invitae), Labcorp
Classification: Pathogenic for Dyskeratosis congenita, autosomal recessive 5; Pulmonary fibrosis and/or bone marrow failure, Telomere-related, 3. Last evaluated: 2023-06-05. Review status: criteria provided, single submitter. Criteria: Invitae Variant Classification Sherloc (09022015). Collection method: clinical testing. Allele origin: germline.
Comment: For these reasons, this variant has been classified as Pathogenic. This variant has not been reported in the literature in individuals affected with RTEL1-related conditions. This variant is not present in population databases (gnomAD no frequency). This sequence change creates a premature translational stop signal (p.Glu981Lysfs*80) in the RTEL1 gene. It is expected to result in an absent or disrupted protein product. Loss-of-function variants in RTEL1 are known to be pathogenic (PMID: 23453664, 23959892, 25607374).

Literature cited by the submitters: PubMed 28495916 (cited by Mayo Clinic Laboratories, Mayo Clinic); PubMed 23453664 (cited by Labcorp Genetics (formerly Invitae), Labcorp); PubMed 23959892 (cited by Labcorp Genetics (formerly Invitae), Labcorp); PubMed 25607374 (cited by Labcorp Genetics (formerly Invitae), Labcorp).

NM_001283009.2(RTEL1):c.2940_2956del (p.Glu981fs)

Genes: RTEL1 (regulator of telomere elongation helicase 1; plus strand), RTEL1-TNFRSF6B (RTEL1-TNFRSF6B readthrough (NMD candidate); plus strand). Cytogenetic location: 20q13.33.
Variant type: Deletion.
Coding change: c.2940_2956del on transcript NM_001283009.2 (MANE Select); coding-DNA positions 2940 to 2956, 17 bases deleted (TGAGCACAGCATTCCCC).
Protein change: p.Glu981fs; shifts the reading frame from glutamic acid 981.
Molecular consequence: frameshift variant. On other transcripts: non-coding transcript variant (1).
Genome position (GRCh38, 1-based): chr20:63,693,231-63,693,247, TGAGCACAGCATTCCCC deleted; deleting any 17 consecutive bases within chr20:63,693,229-63,693,247 gives the same sequence; the c. name uses the placement nearest the transcript's 3' end. VCF-style (leftmost placement, unchanged base first): chr20-63693228-GCCTGAGCACAGCATTCC-G. GRCh37 (hg19) VCF-style: chr20-62324581-GCCTGAGCACAGCATTCC-G.
Other names: p.Glu1005Lysfs*80; c.2271_2287del, p.Glu758fs (NM_001283010.1); c.2940_2956del, p.Glu981fs (NM_016434.4); c.3012_3028del, p.Glu1005fs (NM_032957.5); short protein forms E758fs, E1005fs, E981fs.
Identifiers: ClinVar variation 2939194 (VCV002939194.4), dbSNP rs2517170083, ClinGen allele CA2740094622.